The following is an entry in ClinVar:

ClinVar aggregate classification (germline): Uncertain significance (1 of 4 stars; one submission).

Conditions:
Autoimmune lymphoproliferative syndrome type 1. Also called: AUTOIMMUNE LYMPHOPROLIFERATIVE SYNDROME, TYPE I, AUTOSOMAL DOMINANT. Identifiers: Orphanet 3261, MedGen C2717884, MONDO:0011158, OMIM 601859.

gnomAD v4.1: 1 of 1,614,082 alleles (0.000062%); no homozygotes.

Submission:

Labcorp Genetics (formerly Invitae), Labcorp
Classification: Uncertain significance for Autoimmune lymphoproliferative syndrome. Last evaluated: 2023-12-07. Review status: criteria provided, single submitter. Criteria: Invitae Variant Classification Sherloc (09022015). Collection method: clinical testing. Allele origin: germline.
Comment: This sequence change replaces threonine, which is neutral and polar, with lysine, which is basic and polar, at codon 13 of the FAS protein (p.Thr13Lys). This variant is present in population databases (no rsID available, gnomAD 0.004%). This variant has not been reported in the literature in individuals affected with FAS-related conditions. ClinVar contains an entry for this variant (Variation ID: 2097629). Algorithms developed to predict the effect of missense changes on protein structure and function output the following: SIFT: "Not Available"; PolyPhen-2: "Possibly Damaging"; Align-GVGD: "Not Available". The lysine amino acid residue is found in multiple mammalian species, which suggests that this missense change does not adversely affect protein function. In summary, the available evidence is currently insufficient to determine the role of this variant in disease. Therefore, it has been classified as a Variant of Uncertain Significance.

NM_000043.6(FAS):c.38C>A (p.Thr13Lys)

Gene: FAS (Fas cell surface death receptor; plus strand). Cytogenetic location: 10q23.31.
Variant type: single nucleotide variant.
Coding change: c.38C>A on transcript NM_000043.6 (MANE Select); coding-DNA position 38, C replaced by A.
Protein change: p.Thr13Lys; replaces threonine 13 with lysine.
Molecular consequence: missense variant. On other transcripts: non-coding transcript variant (7).
Genome position (GRCh38, 1-based): chr10:89,003,036, C>A. VCF-style: chr10-89003036-C-A. GRCh37 (hg19) VCF-style: chr10-90762793-C-A.
Other names: c.38C>A, p.Thr13Lys (NM_001320619.2, NM_152871.4, NM_152872.4); c.83C>A, p.Thr28Lys (NM_001410956.1); short protein forms T13K, T28K.
Identifiers: ClinVar variation 2097629 (VCV002097629.4), dbSNP rs372880667, ClinGen allele CA377507258.